The following is an entry in ClinVar:

NM_152263.4(TPM3):c.243+1G>A

Gene: TPM3 (tropomyosin 3; minus strand). Cytogenetic location: 1q21.3.
Variant type: single nucleotide variant.
Coding change: c.243+1G>A on transcript NM_152263.4 (MANE Select); the canonical splice donor site of the intron after coding-DNA position 243, G replaced by A.
Molecular consequence: splice donor variant.
Genome position (GRCh38, 1-based): chr1:154,191,185, C>T on the plus strand (G>A on the coding strand, the complement: TPM3 is on the minus strand). VCF-style: chr1-154191185-C-T. GRCh37 (hg19) VCF-style: chr1-154163661-C-T.
Other names: c.243+1G>A (NM_001364679.2, NM_001364681.2, NM_001364680.2 and 1 more transcripts).
Identifiers: ClinVar variation 2939283 (VCV002939283.3), dbSNP rs2526055328, ClinGen allele CA342586906.
Genomic context (GRCh38, chr1:154,191,185, plus strand): 5'-ACATTAACATAAAGATCTATATGTGTAGATTAAACCCATCCTCCATCTCTCTAATACTCA[C>T]ATCAGCAGCCTTCTTCTCTGCCAGTTCCAGCTTCTCCTGGGCATCCTTCAAAGCTTCAGA-3'

ClinVar aggregate classification (germline): Likely pathogenic (1 of 4 stars; one submission).

Conditions:
Congenital myopathy 4B, autosomal recessive. Also called: Nemaline myopathy 1, autosomal dominant or recessive. Identifiers: Orphanet 171433, Orphanet 171439, Orphanet 171881, MedGen C5829889, MONDO:0012239, OMIM 609284.
Congenital myopathy with fiber type disproportion. Also called: Congenital fiber-type disproportion; Congenital fiber-type disproportion myopathy. Identifiers: Orphanet 2020, MedGen C0546264, MONDO:0009711. Inheritance: all.

Submission:

Labcorp Genetics (formerly Invitae), Labcorp
Classification: Likely pathogenic for Congenital myopathy with fiber type disproportion; Congenital myopathy 4B, autosomal recessive. Last evaluated: 2023-10-22. Review status: criteria provided, single submitter. Criteria: Invitae Variant Classification Sherloc (09022015). Collection method: clinical testing. Allele origin: germline.
Comment: This sequence change affects a donor splice site in intron 2 of the TPM3 gene. It is expected to disrupt RNA splicing. Variants that disrupt the donor or acceptor splice site typically lead to a loss of protein function (PMID: 16199547), and loss-of-function variants in TPM3 are known to be pathogenic (PMID: 10619715, 27858751). This variant is not present in population databases (gnomAD no frequency). This variant has not been reported in the literature in individuals affected with TPM3-related conditions. Algorithms developed to predict the effect of sequence changes on RNA splicing suggest that this variant may disrupt the consensus splice site. In summary, the currently available evidence indicates that the variant is pathogenic, but additional data are needed to prove that conclusively. Therefore, this variant has been classified as Likely Pathogenic.

Literature cited by the submitters: PubMed 16199547; PubMed 10619715; PubMed 27858751.